The following is an entry in ClinVar:

ClinVar aggregate classification (germline): Uncertain significance (1 of 4 stars; one submission).

Conditions:
Hereditary cancer-predisposing syndrome. Also called: Neoplastic Syndromes, Hereditary; Tumor predisposition; Hereditary neoplastic syndrome; Hereditary Cancer Syndrome. Identifiers: Orphanet 140162, MedGen C0027672, MeSH D009386, MONDO:0015356.

Submission:

Ambry Genetics
Classification: Uncertain significance for Hereditary cancer-predisposing syndrome. Last evaluated: 2023-11-24. Review status: criteria provided, single submitter. Criteria: Ambry Variant Classification Scheme 2023. Collection method: clinical testing. Allele origin: germline.
Comment: The p.V1803A variant (also known as c.5408T>C), located in coding exon 40 of the POLE gene, results from a T to C substitution at nucleotide position 5408. The valine at codon 1803 is replaced by alanine, an amino acid with similar properties. This amino acid position is conserved. In addition, the in silico prediction for this alteration is inconclusive. Since supporting evidence is limited at this time, the clinical significance of this alteration remains unclear.

NM_006231.4(POLE):c.5408T>C (p.Val1803Ala)

Gene: POLE (DNA polymerase epsilon, catalytic subunit; minus strand). Cytogenetic location: 12q24.33.
Variant type: single nucleotide variant.
Coding change: c.5408T>C on transcript NM_006231.4 (MANE Select); coding-DNA position 5408, T replaced by C.
Protein change: p.Val1803Ala; replaces valine 1803 with alanine.
Molecular consequence: missense variant.
Genome position (GRCh38, 1-based): chr12:132,639,269, A>G on the plus strand (T>C on the coding strand, the complement: POLE is on the minus strand). VCF-style: chr12-132639269-A-G. GRCh37 (hg19) VCF-style: chr12-133215855-A-G.
Other names: short protein forms V1803A.
Identifiers: ClinVar variation 3225480 (VCV003225480.1), dbSNP rs2138511030, ClinGen allele CA387375025.
Genomic context (GRCh38, chr12:132,639,269, plus strand): 5'-CGGTAGAAGTGCATCACCTGGTTGTCTGCATAGATGTTGTGGTACTGGGTGATCTCCTTC[A>G]CCCAGCCCACGACCATGCTCTTCAGGATCCTGAAAGAGAAGGTGCACGACACCCTCGTAC-3'
Protein context (NP_006222.2, residues 1793-1813): RILKSMVVGW[Val1803Ala]KEITQYHNIY